The following is an entry in ClinVar:

NM_000540.3(RYR1):c.13331dup (p.Phe4446fs)

Genes: RYR1 (ryanodine receptor 1; plus strand), LOC130064357 (ATAC-STARR-seq lymphoblastoid silent region 10577; plus strand). Cytogenetic location: 19q13.2.
Variant type: Duplication.
Coding change: c.13331dup on transcript NM_000540.3 (MANE Select); coding-DNA position 13331, one base duplicated (G; older notation c.13331dupG).
Protein change: p.Phe4446fs; shifts the reading frame from phenylalanine 4446.
Molecular consequence: frameshift variant.
Genome position (GRCh38, 1-based): chr19:38,565,665, G duplicated; the last of 5 consecutive G bases (chr19:38,565,661-38,565,665); duplicating any one gives the same sequence. VCF-style (leftmost placement, unchanged base first): chr19-38565660-T-TG. GRCh37 (hg19) VCF-style: chr19-39056300-T-TG.
Other names: c.13316dup, p.Phe4441fs (NM_001042723.2); short protein forms F4441fs, F4446fs.
Identifiers: ClinVar variation 4703278 (VCV004703278.1).

ClinVar aggregate classification (germline): Pathogenic (1 of 4 stars; one submission).

Conditions:
RYR1-related disorder. Also called: RYR1-related condition; RYR1-related disorders. Identifiers: MedGen CN239331.

Submission:

Labcorp Genetics (formerly Invitae), Labcorp
Classification: Pathogenic for RYR1-related disorder. Last evaluated: 2025-09-20. Review status: criteria provided, single submitter. Criteria: Invitae Variant Classification Sherloc (09022015). Collection method: clinical testing. Allele origin: germline.
Comment: This sequence change creates a premature translational stop signal (p.Phe4446Leufs*137) in the RYR1 gene. It is expected to result in an absent or disrupted protein product. Loss-of-function variants in RYR1 are known to be pathogenic (PMID: 23919265, 25960145, 28818389, 30611313). This variant is not present in population databases (gnomAD no frequency). This variant has not been reported in the literature in individuals affected with RYR1-related conditions. For these reasons, this variant has been classified as Pathogenic.

Literature cited by the submitters: PubMed 23919265; PubMed 25960145; PubMed 28818389; PubMed 30611313.